The following is an entry in ClinVar:

NM_022168.4(IFIH1):c.779C>G (p.Thr260Arg)

Gene: IFIH1 (interferon induced with helicase C domain 1; minus strand). Cytogenetic location: 2q24.2.
Variant type: single nucleotide variant.
Coding change: c.779C>G on transcript NM_022168.4 (MANE Select); coding-DNA position 779, C replaced by G.
Protein change: p.Thr260Arg; replaces threonine 260 with arginine.
Molecular consequence: missense variant.
Genome position (GRCh38, 1-based): chr2:162,293,659, G>C on the plus strand (C>G on the coding strand, the complement: IFIH1 is on the minus strand). VCF-style: chr2-162293659-G-C. GRCh37 (hg19) VCF-style: chr2-163150169-G-C.
Other names: short protein forms T260R.
Identifiers: ClinVar variation 4792390 (VCV004792390.1).

ClinVar aggregate classification (germline): Uncertain significance (1 of 4 stars; one submission).

Conditions:
Aicardi-Goutieres syndrome 7 (AGS7). Identifiers: Orphanet 51, MedGen C3888244, MONDO:0014367, OMIM 615846.
Singleton-Merten syndrome 1 (SGMRT1). Also called: Widened medullary cavities of bone, aortic calcification, abnormal dentition, and muscular weakness; Syndrome of widened medullary cavities of the metacarpals and phalanges, aortic calcification and abnormal dentition. Identifiers: Orphanet 85191, MedGen C4225427, MONDO:0024535, OMIM 182250.

Submission:

Labcorp Genetics (formerly Invitae), Labcorp
Classification: Uncertain significance for Aicardi-Goutieres syndrome 7; Singleton-Merten syndrome 1. Last evaluated: 2025-11-23. Review status: criteria provided, single submitter. Criteria: Invitae Variant Classification Sherloc (09022015). Collection method: clinical testing. Allele origin: germline.
Comment: This sequence change replaces threonine, which is neutral and polar, with arginine, which is basic and polar, at codon 260 of the IFIH1 protein (p.Thr260Arg). This variant is not present in population databases (gnomAD no frequency). This variant has not been reported in the literature in individuals affected with IFIH1-related conditions. Invitae Evidence Modeling of protein sequence and biophysical properties (such as structural, functional, and spatial information, amino acid conservation, physicochemical variation, residue mobility, and thermodynamic stability) has been performed for this missense variant. However, the output from this modeling did not meet the statistical confidence thresholds required to predict the impact of this variant on IFIH1 protein function. In summary, the available evidence is currently insufficient to determine the role of this variant in disease. Therefore, it has been classified as a Variant of Uncertain Significance.